The following is an entry in ClinVar:

ClinVar aggregate classification (germline): Pathogenic (1 of 4 stars; one submission).

Conditions:
Spastic paraplegia. Identifiers: MedGen C0037772, HP:0001258.

Submission:

Labcorp Genetics (formerly Invitae), Labcorp
Classification: Pathogenic for Spastic paraplegia. Last evaluated: 2023-06-29. Review status: criteria provided, single submitter. Criteria: Invitae Variant Classification Sherloc (09022015). Collection method: clinical testing. Allele origin: germline.
Comment: For these reasons, this variant has been classified as Pathogenic. This variant has not been reported in the literature in individuals affected with SLC33A1-related conditions. This variant is a gross deletion of the genomic region encompassing exon(s) 2 of the SLC33A1 gene. This deletion is out-of-frame, and is expected to create a premature termination codon and result in an absent or disrupted protein product. Loss-of-function variants in SLC33A1 are known to be pathogenic (PMID: 22243965, 27306358).

Literature cited by the submitters: PubMed 22243965; PubMed 27306358.

NC_000003.11:g.(?_155560201)_(155560428_?)del

Gene: SLC33A1 (solute carrier family 33 member 1; minus strand). Cytogenetic location: 3q25.31.
Variant type: Deletion.
Identifiers: ClinVar variation 2425210 (VCV002425210.3).